The following is an entry in ClinVar:

NM_006030.4(CACNA2D2):c.97A>C (p.Thr33Pro)

Gene: CACNA2D2 (calcium voltage-gated channel auxiliary subunit alpha2delta 2; minus strand). Cytogenetic location: 3p21.31.
Variant type: single nucleotide variant.
Coding change: c.97A>C on transcript NM_006030.4 (MANE Select); coding-DNA position 97, A replaced by C.
Protein change: p.Thr33Pro; replaces threonine 33 with proline.
Molecular consequence: missense variant. On other transcripts: intron variant (1).
Genome position (GRCh38, 1-based): chr3:50,503,327, T>G on the plus strand (A>C on the coding strand, the complement: CACNA2D2 is on the minus strand). VCF-style: chr3-50503327-T-G. GRCh37 (hg19) VCF-style: chr3-50540758-T-G.
Other names: c.97A>C, p.Thr33Pro (NM_001005505.3, NM_001174051.3, NM_001410768.1); c.-2+742A>C (NM_001291101.1); short protein forms T33P.
Identifiers: ClinVar variation 2374041 (VCV002374041.2), dbSNP rs1241196223, ClinGen allele CA353000380.
Genomic context (GRCh38, chr3:50,503,327, plus strand): 5'-GCGGTAGAAGCGGCAGCAGCAGCCACAGCGGGCGCGGGGGCCCGGACGTCGGGCGCCGGG[T>G]GCCGGGGCCAGGGTGGGGGCCGCAGCCGGGCCAGGGGCGCGCAGTCCGCGCTGGGCCGGG-3'
Protein context (NP_006021.2, residues 23-43): PGCGPHPGPG[Thr33Pro]RRPTSGPPRP

ClinVar aggregate classification (germline): Uncertain significance (1 of 4 stars; one submission).

Conditions:
Inborn genetic diseases. Identifiers: MedGen C0950123, MeSH D030342.

Allele frequency attached by ClinVar (database versions not stated): gnomAD 0.00001.

Submission:

Ambry Genetics
Classification: Uncertain significance for Inborn genetic diseases. Last evaluated: 2021-12-16. Review status: criteria provided, single submitter. Criteria: Ambry Variant Classification Scheme 2023. Collection method: clinical testing. Allele origin: germline.
Comment: The c.97A>C (p.T33P) alteration is located in exon 1 (coding exon 1) of the CACNA2D2 gene. This alteration results from a A to C substitution at nucleotide position 97, causing the threonine (T) at amino acid position 33 to be replaced by a proline (P). The p.T33P alteration is predicted to be tolerated by in silico analysis. Based on insufficient or conflicting evidence, the clinical significance of this alteration remains unclear.